The following is an entry in ClinVar:

ClinVar aggregate classification (germline): Uncertain significance (1 of 4 stars; one submission).

Conditions:
Cardiovascular phenotype. Identifiers: MedGen CN230736.

Submission:

Ambry Genetics
Classification: Uncertain significance for Cardiovascular phenotype. Last evaluated: 2020-01-14. Review status: criteria provided, single submitter. Criteria: Ambry Variant Classification Scheme 2023. Collection method: clinical testing. Allele origin: germline.
Comment: The p.S8959R variant (also known as c.26875A>C), located in coding exon 107 of the TTN gene, results from an A to C substitution at nucleotide position 26875. The serine at codon 8959 is replaced by arginine, an amino acid with dissimilar properties. This amino acid position is not well conserved in available vertebrate species, and arginine is the reference amino acid in other vertebrate species. In addition, this alteration is predicted to be tolerated by in silico analysis. Since supporting evidence is limited at this time, the clinical significance of this alteration remains unclear.

NM_001267550.2(TTN):c.54070A>C (p.Ser18024Arg)

Genes: TTN (titin; minus strand), TTN-AS1 (TTN antisense RNA 1; plus strand). Cytogenetic location: 2q31.2.
Variant type: single nucleotide variant.
Coding change: c.54070A>C on transcript NM_001267550.2 (MANE Select); coding-DNA position 54070, A replaced by C.
Protein change: p.Ser18024Arg; replaces serine 18024 with arginine.
Molecular consequence: missense variant. On other transcripts: non-coding transcript variant (1).
Genome position (GRCh38, 1-based): chr2:178,605,107, T>G on the plus strand (A>C on the coding strand, the complement: TTN is on the minus strand). VCF-style: chr2-178605107-T-G. GRCh37 (hg19) VCF-style: chr2-179469834-T-G.
Other names: c.49147A>C, p.Ser16383Arg (NM_001256850.1); c.26875A>C, p.Ser8959Arg (NM_003319.4); c.46366A>C, p.Ser15456Arg (NM_133378.4); c.27250A>C, p.Ser9084Arg (NM_133432.3); c.27451A>C, p.Ser9151Arg (NM_133437.4); short protein forms S16383R, S18024R, S8959R, S9084R, S15456R, S9151R.
Identifiers: ClinVar variation 1794736 (VCV001794736.2), dbSNP rs2470173650, ClinGen allele CA349556205.